The following is an entry in ClinVar:

ClinVar aggregate classification (germline): Pathogenic (1 of 4 stars; one submission).

Conditions:
Hereditary cancer-predisposing syndrome. Also called: Hereditary Cancer Syndrome; Neoplastic Syndromes, Hereditary; Hereditary neoplastic syndrome; Tumor predisposition. Identifiers: Orphanet 140162, MedGen C0027672, MeSH D009386, MONDO:0015356.

Submission:

Ambry Genetics
Classification: Pathogenic for Hereditary cancer-predisposing syndrome. Last evaluated: 2024-02-15. Review status: criteria provided, single submitter. Criteria: Ambry Variant Classification Scheme 2023. Collection method: clinical testing. Allele origin: germline.
Comment: The c.2256+1G>A intronic pathogenic mutation results from a G to A substitution one nucleotide after coding exon 13 of the DICER1 gene. This nucleotide position is highly conserved in available vertebrate species. Alterations that disrupt the canonical splice site are expected to cause aberrant splicing, resulting in an abnormal protein or a transcript that is subject to nonsense-mediated mRNA decay. As such, this alteration is classified as likely pathogenic.

NM_177438.3(DICER1):c.2256+1G>A

Gene: DICER1 (dicer 1, ribonuclease III; minus strand). Cytogenetic location: 14q32.13.
Variant type: single nucleotide variant.
Coding change: c.2256+1G>A on transcript NM_177438.3 (MANE Select); the canonical splice donor site of the intron after coding-DNA position 2256, G replaced by A.
Molecular consequence: splice donor variant. On other transcripts: missense variant (1).
Genome position (GRCh38, 1-based): chr14:95,111,316, C>T on the plus strand (G>A on the coding strand, the complement: DICER1 is on the minus strand). VCF-style: chr14-95111316-C-T. GRCh37 (hg19) VCF-style: chr14-95577653-C-T.
Other names: c.573+1G>A (NM_001395697.1); c.2256+1G>A (NM_001395679.1, NM_001395682.1, NM_001271282.3 and 12 more transcripts); c.1851+1G>A (NM_001395696.1, NM_001395690.1, NM_001395687.1 and 2 more transcripts); c.1852G>A, p.Val618Ile (NM_001395698.1); c.1974+1G>A (NM_001395686.1); c.1689+1G>A (NM_001395691.1); short protein forms V618I.
Identifiers: ClinVar variation 429164 (VCV000429164.5), dbSNP rs1131691231, ClinGen allele CA390882460.